The following is an entry in ClinVar:

NM_207346.3(TSEN54):c.964C>G (p.Leu322Val)

Gene: TSEN54 (tRNA splicing endonuclease subunit 54; plus strand). Cytogenetic location: 17q25.1.
Variant type: single nucleotide variant.
Coding change: c.964C>G on transcript NM_207346.3 (MANE Select); coding-DNA position 964, C replaced by G.
Protein change: p.Leu322Val; replaces leucine 322 with valine.
Molecular consequence: missense variant.
Genome position (GRCh38, 1-based): chr17:75,522,045, C>G. VCF-style: chr17-75522045-C-G. GRCh37 (hg19) VCF-style: chr17-73518126-C-G.
Other names: short protein forms L322V.
Identifiers: ClinVar variation 160140 (VCV000160140.9), dbSNP rs587784480, ClinGen allele CA173743.

ClinVar aggregate classification (germline): Uncertain significance. Review status: criteria provided, multiple submitters, no conflicts (2 of 4 stars). 2 submissions from 2 submitters: Uncertain significance (2). Last evaluated 2024-11-11.

Conditions:
Olivopontocerebellar hypoplasia. Identifiers: MedGen C1859341, HP:0006955.

Allele frequency attached by ClinVar (database versions not stated): gnomAD exomes below 0.00001 and 0.00001; TOPMed below 0.00001; ExAC 0.00002.

Submissions (2):

Labcorp Genetics (formerly Invitae), Labcorp
Classification: Uncertain significance. Last evaluated: 2024-11-11. Review status: criteria provided, single submitter. Criteria: Invitae Variant Classification Sherloc (09022015). Collection method: clinical testing. Allele origin: germline.
Comment: This sequence change replaces leucine, which is neutral and non-polar, with valine, which is neutral and non-polar, at codon 322 of the TSEN54 protein (p.Leu322Val). This variant is present in population databases (rs587784480, gnomAD 0.007%). This variant has not been reported in the literature in individuals affected with TSEN54-related conditions. ClinVar contains an entry for this variant (Variation ID: 160140). Invitae Evidence Modeling of protein sequence and biophysical properties (such as structural, functional, and spatial information, amino acid conservation, physicochemical variation, residue mobility, and thermodynamic stability) has been performed for this missense variant. However, the output from this modeling did not meet the statistical confidence thresholds required to predict the impact of this variant on TSEN54 protein function. In summary, the available evidence is currently insufficient to determine the role of this variant in disease. Therefore, it has been classified as a Variant of Uncertain Significance.

Genetic Services Laboratory, University of Chicago
Classification: Uncertain significance for olivopontocerebellar hypoplasia. Last evaluated: 2013-12-23. Review status: criteria provided, single submitter. Criteria: ACMG Guidelines, 2007. Collection method: clinical testing. Allele origin: germline. Inheritance: Autosomal recessive inheritance.